The following is an entry in ClinVar:

ClinVar aggregate classification (germline): Uncertain significance (0 of 4 stars; one submission).

Conditions:
CAPN12-related disorder. Also called: CAPN12-related condition.

gnomAD v4.1: 1 of 1,612,614 alleles (0.000062%); highest among the groups gnomAD compares: Non-Finnish European, 0.000085%; no homozygotes.

Submission:

PreventionGenetics, part of Exact Sciences
Classification: Uncertain significance for CAPN12-related condition. Last evaluated: 2024-06-18. Review status: no assertion criteria provided. Collection method: clinical testing. Allele origin: germline.
Comment: The CAPN12 c.1087T>C variant is predicted to result in the amino acid substitution p.Trp363Arg. To our knowledge, this variant has not been reported in the literature or in a large population database, indicating this variant is rare. At this time, the clinical significance of this variant is uncertain due to the absence of conclusive functional and genetic evidence.

NM_144691.4(CAPN12):c.1087T>C (p.Trp363Arg)

Gene: CAPN12 (calpain 12; minus strand). Cytogenetic location: 19q13.2.
Variant type: single nucleotide variant.
Coding change: c.1087T>C on transcript NM_144691.4 (MANE Select); coding-DNA position 1087, T replaced by C.
Protein change: p.Trp363Arg; replaces tryptophan 363 with arginine.
Molecular consequence: missense variant.
Genome position (GRCh38, 1-based): chr19:38,737,517, A>G on the plus strand (T>C on the coding strand, the complement: CAPN12 is on the minus strand). VCF-style: chr19-38737517-A-G. GRCh37 (hg19) VCF-style: chr19-39228157-A-G.
Other names: short protein forms W363R.
Identifiers: ClinVar variation 3347927 (VCV003347927.1).